The following is an entry in ClinVar:

NM_018668.5(VPS33B):c.1144T>C (p.Tyr382His)

Gene: VPS33B (VPS33B late endosome and lysosome associated; minus strand). Cytogenetic location: 15q26.1.
Variant type: single nucleotide variant.
Coding change: c.1144T>C on transcript NM_018668.5 (MANE Select); coding-DNA position 1144, T replaced by C.
Protein change: p.Tyr382His; replaces tyrosine 382 with histidine.
Molecular consequence: missense variant.
Genome position (GRCh38, 1-based): chr15:91,005,081, A>G on the plus strand (T>C on the coding strand, the complement: VPS33B is on the minus strand). VCF-style: chr15-91005081-A-G. GRCh37 (hg19) VCF-style: chr15-91548311-A-G.
Other names: c.1063T>C, p.Tyr355His (NM_001289148.1); c.871T>C, p.Tyr291His (NM_001289149.1); short protein forms Y291H, Y355H, Y382H.
Identifiers: ClinVar variation 4744964 (VCV004744964.1).

ClinVar aggregate classification (germline): Uncertain significance (1 of 4 stars; one submission).

Submission:

Labcorp Genetics (formerly Invitae), Labcorp
Classification: Uncertain significance. Last evaluated: 2025-03-18. Review status: criteria provided, single submitter. Criteria: Invitae Variant Classification Sherloc (09022015). Collection method: clinical testing. Allele origin: germline.
Comment: This sequence change replaces tyrosine, which is neutral and polar, with histidine, which is basic and polar, at codon 382 of the VPS33B protein (p.Tyr382His). This variant is not present in population databases (gnomAD no frequency). This variant has not been reported in the literature in individuals affected with VPS33B-related conditions. Invitae Evidence Modeling of protein sequence and biophysical properties (such as structural, functional, and spatial information, amino acid conservation, physicochemical variation, residue mobility, and thermodynamic stability) indicates that this missense variant is not expected to disrupt VPS33B protein function with a negative predictive value of 80%. In summary, the available evidence is currently insufficient to determine the role of this variant in disease. Therefore, it has been classified as a Variant of Uncertain Significance.